The following is an entry in ClinVar:

NM_005199.5(CHRNG):c.1143G>A (p.Trp381Ter)

Genes: CHRNG (cholinergic receptor nicotinic gamma subunit; plus strand), TIGD1 (tigger transposable element derived 1; minus strand). Cytogenetic location: 2q37.1.
Variant type: single nucleotide variant.
Coding change: c.1143G>A on transcript NM_005199.5 (MANE Select); coding-DNA position 1143, G replaced by A.
Protein change: p.Trp381Ter; replaces tryptophan 381 with a stop codon.
Molecular consequence: nonsense. On other transcripts: 3 prime UTR variant (1).
Genome position (GRCh38, 1-based): chr2:232,544,474, G>A. VCF-style: chr2-232544474-G-A. GRCh37 (hg19) VCF-style: chr2-233409184-G-A.
Other names: c.*3633C>T (NM_145702.4); short protein forms W381*.
Identifiers: ClinVar variation 930743 (VCV000930743.6), dbSNP rs1055176338, ClinGen allele CA351015744.

ClinVar aggregate classification (germline): Pathogenic. Review status: criteria provided, multiple submitters, no conflicts (2 of 4 stars). 2 submissions from 2 submitters: Pathogenic (2). Last evaluated 2023-01-13.

Conditions:
Autosomal recessive multiple pterygium syndrome. Also called: MULTIPLE PTERYGIUM SYNDROME, ESCOBAR VARIANT; PTERYGIUM COLLI SYNDROME; PTERYGIUM SYNDROME; PTERYGIUM UNIVERSALE. Identifiers: Orphanet 2990, MedGen C0265261, MONDO:0009926, OMIM 265000.

gnomAD v4.1: 1 of 1,613,766 alleles (0.000062%); highest among the groups gnomAD compares: Non-Finnish European, 0.000085%; no homozygotes.

Submissions (2):

Labcorp Genetics (formerly Invitae), Labcorp
Classification: Pathogenic. Last evaluated: 2023-01-13. Review status: criteria provided, single submitter. Criteria: Invitae Variant Classification Sherloc (09022015). Collection method: clinical testing. Allele origin: germline.
Comment: For these reasons, this variant has been classified as Pathogenic. This sequence change creates a premature translational stop signal (p.Trp381*) in the CHRNG gene. It is expected to result in an absent or disrupted protein product. Loss-of-function variants in CHRNG are known to be pathogenic (PMID: 16826520). This variant is not present in population databases (gnomAD no frequency). This variant has not been reported in the literature in individuals affected with CHRNG-related conditions. ClinVar contains an entry for this variant (Variation ID: 930743).

Centre for Mendelian Genomics, University Medical Centre Ljubljana
Classification: Pathogenic for Autosomal recessive multiple pterygium syndrome. Last evaluated: 2019-08-06. Review status: criteria provided, single submitter. Criteria: ACMG Guidelines, 2015. Collection method: clinical testing. Allele origin: unknown. Affected: yes.
Comment: This variant was classified as: Pathogenic. The following ACMG criteria were applied in classifying this variant: PVS1,PM2,PM3.

Literature cited by the submitters: PubMed 16826520 (cited by Labcorp Genetics (formerly Invitae), Labcorp).